The following is an entry in ClinVar:

ClinVar aggregate classification (germline): not provided (0 of 4 stars; one submission).

Conditions:
Gestational diabetes mellitus uncontrolled. Identifiers: MedGen C3532257.

Submission:

Institute of Molecular and Cell Biology, University of Tartu
No classification provided. Condition: Gestational diabetes mellitus uncontrolled. Review status: no classification provided. Collection method: case-control. Allele origin: unknown. Affected: yes. Study: Kasak2014.
Comment: The study aimed to determine the contribution of copy number variants in the genetic etiology of normal and complicated pregnancies. The samples represented (i) maternal blood DNA drawn from healthy pregnant women during 1st or 2nd trimester and (ii) maternal and paternal blood DNA drawn at term pregnancy cases representing normal and complicated gestations (severe preeclampsia, PE; gestational diabetes, GD; small-for-gestational age newborn, SGA; large-for-gestational age newborn, LGA). We performed CNV calling based on genome-wide genotyping dataset (Illumina HumanOmniExpress-24-v1 BeadChip) by applying three algorithms, QuantiSNP, GADA (Genome Alteration Detection Algorithm) and CNstream in parallel. The acquired CNV calls were merged with HD-CNV (Hotspot Detector for Copy Number Variants) program and only the CNVs predicted by at least two programs, were considered in subsequent analysis.

Literature cited by the submitters: PubMed 25666259.

Single allele

Variant type: Deletion.
Identifiers: ClinVar variation 156948 (VCV000156948.2).